The following is an entry in ClinVar:

NM_001370298.3(FGD4):c.2583_2586del (p.Ser861fs)

Gene: FGD4 (FYVE, RhoGEF and PH domain containing 4; plus strand). Cytogenetic location: 12p11.21.
Variant type: Deletion.
Coding change: c.2583_2586del on transcript NM_001370298.3 (MANE Select); coding-DNA positions 2583 to 2586, 4 bases deleted (TGAG; older notation c.2583_2586delTGAG).
Protein change: p.Ser861fs; shifts the reading frame from serine 861.
Molecular consequence: frameshift variant.
Genome position (GRCh38, 1-based): chr12:32,640,404-32,640,407, TGAG deleted; deleting any 4 consecutive bases within chr12:32,640,402-32,640,407 gives the same sequence; the c. name uses the placement nearest the transcript's 3' end. VCF-style (leftmost placement, unchanged base first): chr12-32640401-CAGTG-C. GRCh37 (hg19) VCF-style: chr12-32793335-CAGTG-C.
Other names: c.2427_2430delTGAG, p.Ser809Argfs (NM_001304481.2); c.1140_1143del, p.Ser380fs (NM_001304484.2); c.1893_1896del, p.Ser631fs (NM_001330373.2, NM_001330374.2, NM_001384130.1); c.1620_1623del, p.Ser540fs (NM_001370297.1); c.2583_2586del, p.Ser861fs (NM_001384126.1); c.2172_2175del, p.Ser724fs (NM_001384127.1, NM_001384128.1, NM_001385118.1 and 1 more transcripts); short protein forms S631fs, S809fs, S861fs, S380fs, S540fs, S724fs.
Identifiers: ClinVar variation 1454283 (VCV001454283.8), dbSNP rs1951100155, ClinGen allele CA2026264815.

ClinVar aggregate classification (germline): Pathogenic (1 of 4 stars; one submission).

Conditions:
Charcot-Marie-Tooth disease type 4. Also called: Charcot-Marie-Tooth disease, type IV; Charcot-Marie-Tooth, Type 4. Identifiers: Orphanet 64749, MedGen C4082197, MONDO:0018995.

Submission:

Labcorp Genetics (formerly Invitae), Labcorp
Classification: Pathogenic for Charcot-Marie-Tooth disease type 4. Last evaluated: 2021-05-30. Review status: criteria provided, single submitter. Criteria: Invitae Variant Classification Sherloc (09022015). Collection method: clinical testing. Allele origin: germline.
Comment: For these reasons, this variant has been classified as Pathogenic. This variant disrupts the C-terminus of the FGD4 protein. Other variant(s) that disrupt this region (p.Ala738Serfs*5) have been determined to be pathogenic (PMID: 31152969). This suggests that variants that disrupt this region of the protein are likely to be causative of disease. This variant has not been reported in the literature in individuals with FGD4-related conditions. This variant is not present in population databases (ExAC no frequency). This sequence change creates a premature translational stop signal (p.Ser724Argfs*3) in the FGD4 gene. While this is not anticipated to result in nonsense mediated decay, it is expected to disrupt the last 43 amino acid(s) of the FGD4 protein.

Literature cited by the submitters: PubMed 31152969.